The following is an entry in ClinVar:

NM_001701.4(BAAT):c.*895C>T

Gene: BAAT (bile acid-CoA:amino acid N-acyltransferase; minus strand). Cytogenetic location: 9q31.1.
Variant type: single nucleotide variant.
Coding change: c.*895C>T on transcript NM_001701.4 (MANE Select); 895 bases downstream of the stop codon, C replaced by T.
Molecular consequence: 3 prime UTR variant.
Genome position (GRCh38, 1-based): chr9:101,361,533, G>A on the plus strand (C>T on the coding strand, the complement: BAAT is on the minus strand). VCF-style: chr9-101361533-G-A. GRCh37 (hg19) VCF-style: chr9-104123815-G-A.
Other names: c.*895C>T (NM_001127610.2, NM_001374715.1).
Identifiers: ClinVar variation 364268 (VCV000364268.5), dbSNP rs16936057, ClinGen allele CA10631934.
Genomic context (GRCh38, chr9:101,361,533, plus strand): 5'-TTGGTTAGCAAACTAAAGTATTTTTTATTTATGGGATGTACAGTAACTATTGGGTCTTAC[G>A]GAAATATAGTACCTGTCCTTATAGAGCTCACATTCATGTGCTACTCTAACATGACTGAAG-3'

ClinVar aggregate classification (germline): Benign (1 of 4 stars; one submission).

Conditions:
Hypercholanemia, familial 1 (FHCA1). Identifiers: Orphanet 238475, MedGen C5542604, MONDO:0031446, OMIM 607748.

Allele frequency attached by ClinVar (database versions not stated): gnomAD 0.00500 and 0.00847; TOPMed 0.00658; 1000 Genomes Project 30x 0.03654; 1000 Genomes Project 0.03934.

Submission:

Illumina Laboratory Services, Illumina
Classification: Benign for Hypercholanemia, familial 1. Last evaluated: 2018-01-12. Review status: criteria provided, single submitter. Criteria: ICSL Variant Classification Criteria 13 December 2019. Collection method: clinical testing. Allele origin: germline.
Comment: This variant was observed in the ICSL laboratory as part of a predisposition screen in an ostensibly healthy population. It had not been previously curated by ICSL or reported in the Human Gene Mutation Database (HGMD: prior to June 1st, 2018), and was therefore a candidate for classification through an automated scoring system. Utilizing variant allele frequency, disease prevalence and penetrance estimates, and inheritance mode, an automated score was calculated to assess if this variant is too frequent to cause the disease. Based on the score and internal cut-off values, a variant classified as benign is not then subjected to further curation. The score for this variant resulted in a classification of benign for this disease.